The following is an entry in ClinVar:

NM_001330078.2(NRXN1):c.1552T>G (p.Leu518Val)

Gene: NRXN1 (neurexin 1; minus strand). Cytogenetic location: 2p16.3.
Variant type: single nucleotide variant.
Coding change: c.1552T>G on transcript NM_001330078.2 (MANE Select); coding-DNA position 1552, T replaced by G.
Protein change: p.Leu518Val; replaces leucine 518 with valine.
Molecular consequence: missense variant.
Genome position (GRCh38, 1-based): chr2:50,552,794, A>C on the plus strand (T>G on the coding strand, the complement: NRXN1 is on the minus strand). VCF-style: chr2-50552794-A-C. GRCh37 (hg19) VCF-style: chr2-50779932-A-C.
Other names: c.1672T>G, p.Leu558Val (NM_001135659.3); c.1528T>G, p.Leu510Val (NM_001330077.2, NM_001330082.2, NM_001330095.2); c.1513T>G, p.Leu505Val (NM_001330083.2, NM_001330084.2); c.1552T>G, p.Leu518Val (NM_001330085.2, NM_001330086.2, NM_004801.6); c.1468T>G, p.Leu490Val (NM_001330087.2, NM_001330096.2); c.1498T>G, p.Leu500Val (NM_001330088.2); c.1549T>G, p.Leu517Val (NM_001330093.2); c.1540T>G, p.Leu514Val (NM_001330094.2); short protein forms L490V, L558V, L505V, L514V, L518V, L500V, L510V, L517V.
Identifiers: ClinVar variation 2832695 (VCV002832695.3), dbSNP rs569617213, ClinGen allele CA1655020.
Genomic context (GRCh38, chr2:50,552,794, plus strand): 5'-CCTTTATCATCTGTGGGTGCTTGGCATCTTTCTGATGTCTTGGCTTGCCATGGCTAAATA[A>C]GATGAGGCCATTTGGCTCTGTTGTACGGAAATCAAATGATATGGAGCCAGTTTTCTTTGC-3'
Protein context (NP_001317007.1, residues 508-528): FRTTEPNGLI[Leu518Val]FSHGKPRHQK

ClinVar aggregate classification (germline): Uncertain significance (1 of 4 stars; one submission).

Conditions:
Pitt-Hopkins-like syndrome 2 (PTHSL2). Identifiers: Orphanet 221150, Orphanet 600663, MedGen C3280479, MONDO:0013690, OMIM 614325.

Allele frequency attached by ClinVar (database versions not stated): ExAC 0.00001; 1000 Genomes Project 30x 0.00016; 1000 Genomes Project 0.00020.

Submission:

Labcorp Genetics (formerly Invitae), Labcorp
Classification: Uncertain significance for Pitt-Hopkins-like syndrome 2. Last evaluated: 2023-01-28. Review status: criteria provided, single submitter. Criteria: Invitae Variant Classification Sherloc (09022015). Collection method: clinical testing. Allele origin: germline.
Comment: This sequence change replaces leucine, which is neutral and non-polar, with valine, which is neutral and non-polar, at codon 558 of the NRXN1 protein (p.Leu558Val). This variant is present in population databases (rs569617213, gnomAD 0.007%). This variant has not been reported in the literature in individuals affected with NRXN1-related conditions. Advanced modeling of protein sequence and biophysical properties (such as structural, functional, and spatial information, amino acid conservation, physicochemical variation, residue mobility, and thermodynamic stability) performed at Invitae indicates that this missense variant is not expected to disrupt NRXN1 protein function. In summary, the available evidence is currently insufficient to determine the role of this variant in disease. Therefore, it has been classified as a Variant of Uncertain Significance.